The following is an entry in ClinVar:

NM_203447.4(DOCK8):c.5770G>A (p.Ala1924Thr)

Gene: DOCK8 (dedicator of cytokinesis 8; plus strand). Cytogenetic location: 9p24.3.
Variant type: single nucleotide variant.
Coding change: c.5770G>A on transcript NM_203447.4 (MANE Select); coding-DNA position 5770, G replaced by A.
Protein change: p.Ala1924Thr; replaces alanine 1924 with threonine.
Molecular consequence: missense variant.
Genome position (GRCh38, 1-based): chr9:446,559, G>A. VCF-style: chr9-446559-G-A. GRCh37 (hg19) VCF-style: chr9-446559-G-A.
Other names: c.5470G>A, p.Ala1824Thr (NM_001190458.2); c.5566G>A, p.Ala1856Thr (NM_001193536.2); c.5770G>A (NM_203447.3); short protein forms A1856T, A1824T, A1924T.
Identifiers: ClinVar variation 1415351 (VCV001415351.7), dbSNP rs1180611538, ClinGen allele CA372769172.
Genomic context (GRCh38, chr9:446,559, plus strand): 5'-CGGCCTCGGGGAGAGCTGCATGAGCAGTACAGAAGGAACACAGTCCTGACCACTATGCAC[G>A]CCTTCCCCTACATCAAGACCAGGATCAGCGTCATCCAGAAGGAGGAGGTAATGCACCCAA-3'
Protein context (NP_982272.2, residues 1914-1934): RRNTVLTTMH[Ala1924Thr]FPYIKTRISV

ClinVar aggregate classification (germline): Uncertain significance. Review status: criteria provided, single submitter (1 of 4 stars). 2 submissions from 2 submitters: Uncertain significance (1). 1 of the submissions does not count toward it. Last evaluated 2024-10-14.

Conditions:
DOCK8-related disorder. Also called: DOCK8-related condition.

Allele frequency attached by ClinVar (database versions not stated): gnomAD exomes below 0.00001; gnomAD 0.00001 and 0.00002; TOPMed 0.00001.
gnomAD v4.1: 35 of 1,614,082 alleles (0.0022%); highest among the groups gnomAD compares: Non-Finnish European, 0.0025%; no homozygotes.

Submissions (2):

Labcorp Genetics (formerly Invitae), Labcorp
Classification: Uncertain significance for Combined immunodeficiency due to DOCK8 deficiency. Last evaluated: 2024-10-14. Review status: criteria provided, single submitter. Criteria: Invitae Variant Classification Sherloc (09022015). Collection method: clinical testing. Allele origin: germline.
Comment: This sequence change replaces alanine, which is neutral and non-polar, with threonine, which is neutral and polar, at codon 1924 of the DOCK8 protein (p.Ala1924Thr). This variant is present in population databases (no rsID available, gnomAD 0.004%). This variant has not been reported in the literature in individuals affected with DOCK8-related conditions. ClinVar contains an entry for this variant (Variation ID: 1415351). Invitae Evidence Modeling of protein sequence and biophysical properties (such as structural, functional, and spatial information, amino acid conservation, physicochemical variation, residue mobility, and thermodynamic stability) indicates that this missense variant is not expected to disrupt DOCK8 protein function with a negative predictive value of 80%. In summary, the available evidence is currently insufficient to determine the role of this variant in disease. Therefore, it has been classified as a Variant of Uncertain Significance.

PreventionGenetics, part of Exact Sciences
Classification: Uncertain significance for DOCK8-related condition. Last evaluated: 2024-09-18. Review status: no assertion criteria provided. Collection method: clinical testing. Allele origin: germline. Not counted in ClinVar's aggregate classification.
Comment: The DOCK8 c.5770G>A variant is predicted to result in the amino acid substitution p.Ala1924Thr. This variant has been reported de novo in at least one individual with a neurodevelopmental phenotype (Table S1, Kaplanis et al. 2020. PubMed ID: 33057194; Supplementary Data 3, Zhou et al. 2022. PubMed ID: 35982159). However, this variant is also reported in 0.0040% of alleles in individuals of European (Finnish) descent in gnomAD. At this time, the clinical significance of this variant is uncertain due to the absence of conclusive functional and genetic evidence.